The following is an entry in ClinVar:

NM_001184.4(ATR):c.7475A>T (p.His2492Leu)

Gene: ATR (ATR checkpoint kinase; minus strand). Cytogenetic location: 3q23.
Variant type: single nucleotide variant.
Coding change: c.7475A>T on transcript NM_001184.4 (MANE Select); coding-DNA position 7475, A replaced by T.
Protein change: p.His2492Leu; replaces histidine 2492 with leucine.
Molecular consequence: missense variant.
Genome position (GRCh38, 1-based): chr3:142,458,986, T>A on the plus strand (A>T on the coding strand, the complement: ATR is on the minus strand). VCF-style: chr3-142458986-T-A. GRCh37 (hg19) VCF-style: chr3-142177828-T-A.
Other names: c.7283A>T, p.His2428Leu (NM_001354579.2); short protein forms H2428L, H2492L.
Identifiers: ClinVar variation 1759073 (VCV001759073.3), dbSNP rs2108259952, ClinGen allele CA354795869.

ClinVar aggregate classification (germline): Uncertain significance (1 of 4 stars; one submission).

Conditions:
Inborn genetic diseases. Identifiers: MedGen C0950123, MeSH D030342.

Submission:

Ambry Genetics
Classification: Uncertain significance for Inborn genetic diseases. Last evaluated: 2024-05-31. Review status: criteria provided, single submitter. Criteria: Ambry Variant Classification Scheme 2023. Collection method: clinical testing. Allele origin: germline.
Comment: The p.H2492L variant (also known as c.7475A>T), located in coding exon 44 of the ATR gene, results from an A to T substitution at nucleotide position 7475. The histidine at codon 2492 is replaced by leucine, an amino acid with similar properties. This amino acid position is conserved. In addition, this alteration is predicted to be deleterious by in silico analysis. Since supporting evidence is limited at this time, the clinical significance of this alteration remains unclear.